The following is an entry in ClinVar:

ClinVar aggregate classification (germline): Uncertain significance (1 of 4 stars; one submission).

Conditions:
Hypertrophic cardiomyopathy. Also called: HYPERTROPHIC MYOCARDIOPATHY. Identifiers: Orphanet 217569, MedGen C0007194, MeSH D002312, MONDO:0005045, HP:0001639.

Submission:

Labcorp Genetics (formerly Invitae), Labcorp
Classification: Uncertain significance for Hypertrophic cardiomyopathy. Last evaluated: 2024-07-20. Review status: criteria provided, single submitter. Criteria: Invitae Variant Classification Sherloc (09022015). Collection method: clinical testing. Allele origin: germline.
Comment: This sequence change replaces methionine, which is neutral and non-polar, with leucine, which is neutral and non-polar, at codon 632 of the MYBPC3 protein (p.Met632Leu). This variant is not present in population databases (gnomAD no frequency). This variant has not been reported in the literature in individuals affected with MYBPC3-related conditions. An algorithm developed to predict the effect of missense changes on protein structure and function (PolyPhen-2) suggests that this variant is likely to be tolerated. In summary, the available evidence is currently insufficient to determine the role of this variant in disease. Therefore, it has been classified as a Variant of Uncertain Significance.

NM_000256.3(MYBPC3):c.1894A>C (p.Met632Leu)

Gene: MYBPC3 (myosin binding protein C3; minus strand). Cytogenetic location: 11p11.2.
Variant type: single nucleotide variant.
Coding change: c.1894A>C on transcript NM_000256.3 (MANE Select); coding-DNA position 1894, A replaced by C.
Protein change: p.Met632Leu; replaces methionine 632 with leucine.
Molecular consequence: missense variant.
Genome position (GRCh38, 1-based): chr11:47,341,141, T>G on the plus strand (A>C on the coding strand, the complement: MYBPC3 is on the minus strand). VCF-style: chr11-47341141-T-G. GRCh37 (hg19) VCF-style: chr11-47362692-T-G.
Other names: short protein forms M632L.
Identifiers: ClinVar variation 3660019 (VCV003660019.2).
Genomic context (GRCh38, chr11:47,341,141, plus strand): 5'-GTGACAGGGGCTCCTGGCCCCACTGCCCCGACCCACCCTACCCTGGAGCAGGCTCACCCA[T>G]GAAGTGGAGCTTGGCTGACAGGTTGCAGGCGAAGCCCTCGGGCACAAAGCTGTAGTCAGC-3'
Protein context (NP_000247.2, residues 622-642): ACNLSAKLHF[Met632Leu]EVKIDFVPRQ